The following is an entry in ClinVar:

ClinVar aggregate classification (germline): Uncertain significance. Review status: criteria provided, multiple submitters, no conflicts (2 of 4 stars). 3 submissions from 3 submitters: Uncertain significance (3). Last evaluated 2025-11-13.

Conditions:
Pancreatic adenocarcinoma. Identifiers: MedGen C0281361, MONDO:0006047, HP:0006725.

Allele frequency attached by ClinVar (database versions not stated): gnomAD exomes 0.00002 and 0.00004; TOPMed 0.00002; gnomAD 0.00003; ExAC 0.00004.
gnomAD v4.1: 61 of 1,613,006 alleles (0.0038%); highest among the groups gnomAD compares: Non-Finnish European, 0.0051%; no homozygotes.

Submissions (3):

Labcorp Genetics (formerly Invitae), Labcorp
Classification: Uncertain significance for Pancreatic adenocarcinoma. Last evaluated: 2025-11-13. Review status: criteria provided, single submitter. Criteria: Invitae Variant Classification Sherloc (09022015). Collection method: clinical testing. Allele origin: germline.
Comment: This sequence change replaces methionine, which is neutral and non-polar, with threonine, which is neutral and polar, at codon 380 of the PALLD protein (p.Met380Thr). This variant is present in population databases (rs587780200, gnomAD 0.005%). This variant has not been reported in the literature in individuals affected with PALLD-related conditions. ClinVar contains an entry for this variant (Variation ID: 128106). An algorithm developed to predict the effect of missense changes on protein structure and function (PolyPhen-2) suggests that this variant is likely to be tolerated. In summary, the available evidence is currently insufficient to determine the role of this variant in disease. Therefore, it has been classified as a Variant of Uncertain Significance.

Ambry Genetics
Classification: Uncertain significance. Last evaluated: 2022-11-04. Review status: criteria provided, single submitter. Criteria: Ambry Variant Classification Scheme 2023. Collection method: clinical testing. Allele origin: germline.
Comment: The p.M867T variant (also known as c.2600T>C), located in coding exon 14 of the PALLD gene, results from a T to C substitution at nucleotide position 2600. The methionine at codon 867 is replaced by threonine, an amino acid with similar properties. This amino acid position is conserved. In addition, this alteration is predicted to be deleterious by in silico analysis. Since supporting evidence is limited at this time, the clinical significance of this alteration remains unclear.

GeneDx
Classification: Uncertain significance. Last evaluated: 2014-01-06. Review status: criteria provided, single submitter. Criteria: GeneDx Variant Classification (06012015). Collection method: clinical testing. Allele origin: germline. Affected: yes.
Comment: PALLD has been only recently described in association with pancreatic cancer and the risks are not well understood. This variant is denoted PALLD c.2600T>C at the cDNA level, p.Met867Thr (M867T) at the protein level, and results in the change of a Methionine to a Threonine (ATG>ACG). This variant has not, to our knowledge, been published in the literature as pathogenic or benign. PALLD Met867Thr was not observed in approximately 6,500 individuals of European and African American ancestry in the NHLBI Exome Sequencing Project, indicating it is not a common benign variant in these populations. This variant is a non-conservative substitution in which a neutral non-polar amino acid is replaced with a neutral polar one, altering a position that is well conserved throughout evolution and is located in the Immunoglobulin I-set domain. In silico analyses are inconsistent with regard to the effect this variant may have on protein structure and function. On a molecular level, the impact of this missense variant on protein structure and function is not known and thus we consider this to be a variant of uncertain significance. Furthermore, based on the currently available information, cancer risks associated with this variant, and the PALLD gene, remain unclear.

NM_001166108.2(PALLD):c.2651T>C (p.Met884Thr)

Genes: CBR4 (carbonyl reductase 4; minus strand), PALLD (palladin, cytoskeletal associated protein; plus strand). Cytogenetic location: 4q32.3.
Variant type: single nucleotide variant.
Coding change: c.2651T>C on transcript NM_001166108.2 (MANE Select); coding-DNA position 2651, T replaced by C.
Protein change: p.Met884Thr; replaces methionine 884 with threonine.
Molecular consequence: missense variant.
Genome position (GRCh38, 1-based): chr4:168,913,955, T>C. VCF-style: chr4-168913955-T-C. GRCh37 (hg19) VCF-style: chr4-169835106-T-C.
Other names: p.M867T:ATG>ACG; c.1454T>C, p.Met485Thr (NM_001166109.2); c.1139T>C, p.Met380Thr (NM_001166110.2); c.479T>C, p.Met160Thr (NM_001367567.1, NM_001367569.1); c.530T>C, p.Met177Thr (NM_001367568.1, NM_001367570.1); c.2600T>C, p.Met867Thr (NM_016081.4); short protein forms M867T, M380T, M177T, M485T, M160T, M884T.
Identifiers: ClinVar variation 128106 (VCV000128106.13), dbSNP rs587780200, ClinGen allele CA288363.